The following is an entry in ClinVar:

NM_148919.4(PSMB8):c.804G>A (p.Leu268=)

Gene: PSMB8 (proteasome 20S subunit beta 8; minus strand). Cytogenetic location: 6p21.32.
Variant type: single nucleotide variant.
Coding change: c.804G>A on transcript NM_148919.4 (MANE Select); coding-DNA position 804, G replaced by A.
Protein change: p.Leu268=; no amino-acid change (leucine 268 retained).
Molecular consequence: synonymous variant.
Genome position (GRCh38, 1-based): chr6:32,840,986, C>T on the plus strand (G>A on the coding strand, the complement: PSMB8 is on the minus strand). VCF-style: chr6-32840986-C-T. GRCh37 (hg19) VCF-style: chr6-32808763-C-T.
Other names: p.Leu268=; c.792G>A, p.Leu264= (NM_004159.5, LRG_1328t2); c.804G>A, p.Leu268= (LRG_1328t1).
Identifiers: ClinVar variation 356361 (VCV000356361.59), dbSNP rs371969268, ClinGen allele CA3746273.

ClinVar aggregate classification (germline): Conflicting classifications of pathogenicity. Review status: criteria provided, conflicting classifications (1 of 4 stars). 8 submissions from 8 submitters: Uncertain significance (2); Likely benign (6). Last evaluated 2026-01-30.

Conditions:
Proteosome-associated autoinflammatory syndrome. Also called: Proteasome-associated autoinflammatory syndrome. Identifiers: Orphanet 324977, MedGen C1850568, MONDO:0009726.
Autoinflammatory syndrome. Identifiers: Orphanet 93665, MedGen C3890737, MONDO:0019751.
Proteasome-associated autoinflammatory syndrome 1 (PRAAS1). Also called: Nakajo syndrome; AUTOINFLAMMATION, LIPODYSTROPHY, AND DERMATOSIS SYNDROME; NAKAJO-NISHIMURA SYNDROME; CHRONIC ATYPICAL NEUTROPHILIC DERMATOSIS WITH LIPODYSTROPHY AND ELEVATED TEMPERATURE SYNDROME; JOINT CONTRACTURES, MUSCULAR ATROPHY, MICROCYTIC ANEMIA, AND PANNICULITIS-INDUCED LIPODYSTROPHY; JMP SYNDROME. Identifiers: Orphanet 2615, Orphanet 324977, Orphanet 324999, Orphanet 325004, MedGen C4746851, MONDO:0054698, OMIM 256040.

Allele frequency attached by ClinVar (database versions not stated): ESP Exome Variant Server 0.00008; TOPMed 0.00013; gnomAD 0.00014 and 0.00015; gnomAD exomes 0.00014 and 0.00015; ExAC 0.00016.

Submissions (8):

Labcorp Genetics (formerly Invitae), Labcorp
Classification: Likely benign for Proteosome-associated autoinflammatory syndrome. Last evaluated: 2026-01-30. Review status: criteria provided, single submitter. Criteria: Invitae Variant Classification Sherloc (09022015). Collection method: clinical testing. Allele origin: germline.

Women's Health and Genetics/Laboratory Corporation of America, LabCorp
Classification: Likely benign. Last evaluated: 2026-01-17. Review status: criteria provided, single submitter. Criteria: LabCorp Variant Classification Summary - May 2015. Collection method: clinical testing. Allele origin: germline.

Mayo Clinic Laboratories, Mayo Clinic
Classification: Likely benign. Last evaluated: 2025-09-22. Review status: criteria provided, single submitter. Criteria: ACMG Guidelines, 2015. Collection method: clinical testing. Allele origin: germline. Observed: 1 variant allele.
Comment: BP4, BP7

Blueprint Genetics
Classification: Likely benign. Last evaluated: 2024-10-08. Review status: criteria provided, single submitter. Criteria: ACMG Guidelines, 2015. Collection method: clinical testing. Allele origin: germline.

CeGaT Center for Human Genetics Tuebingen
Classification: Likely benign. Last evaluated: 2023-02-01. Review status: criteria provided, single submitter. Criteria: CeGaT Center For Human Genetics Tuebingen Variant Classification Criteria Version 2. Collection method: clinical testing. Allele origin: germline. Affected: yes. Observed: 2 variant alleles.
Comment: PSMB8: BP4, BP7

Genome Diagnostics Laboratory, The Hospital for Sick Children
Classification: Uncertain significance for Autoinflammatory syndrome. Last evaluated: 2020-04-01. Review status: criteria provided, single submitter. Criteria: ACMG Guidelines, 2015. Collection method: clinical testing. Allele origin: germline. Affected: yes.

Illumina Laboratory Services, Illumina
Classification: Uncertain significance for Proteasome-associated autoinflammatory syndrome 1. Last evaluated: 2018-01-13. Review status: criteria provided, single submitter. Criteria: ICSL Variant Classification Criteria 13 December 2019. Collection method: clinical testing. Allele origin: germline.

Genetic Services Laboratory, University of Chicago
Classification: Likely benign. Last evaluated: 2016-02-23. Review status: criteria provided, single submitter. Criteria: ACMG Guidelines, 2015. Collection method: clinical testing. Allele origin: germline. Affected: no.